The following is an entry in ClinVar:

NM_000235.4(LIPA):c.8T>G (p.Met3Arg)

Gene: LIPA (lipase A, lysosomal acid type; minus strand). Cytogenetic location: 10q23.31.
Variant type: single nucleotide variant.
Coding change: c.8T>G on transcript NM_000235.4 (MANE Select); coding-DNA position 8, T replaced by G.
Protein change: p.Met3Arg; replaces methionine 3 with arginine.
Molecular consequence: missense variant. On other transcripts: intron variant (1).
Genome position (GRCh38, 1-based): chr10:89,247,641, A>C on the plus strand (T>G on the coding strand, the complement: LIPA is on the minus strand). VCF-style: chr10-89247641-A-C. GRCh37 (hg19) VCF-style: chr10-91007398-A-C.
Other names: c.8T>G, p.Met3Arg (NM_001127605.3); c.-120+4096T>G (NM_001288979.2); short protein forms M3R.
Identifiers: ClinVar variation 643938 (VCV000643938.10), dbSNP rs1589573225, ClinGen allele CA377518658.

ClinVar aggregate classification (germline): Uncertain significance (1 of 4 stars; one submission).

Conditions:
Wolman disease (WOLD). Also called: Wolman disease, CESD; LYSOSOMAL ACID LIPASE DEFICIENCY, ACUTE INFANTILE; LYSOSOMAL ACID LIPASE DEFICIENCY, COMPLETE; LIPA DEFICIENCY, COMPLETE; LAL DEFICIENCY, COMPLETE; CHOLESTEROL ESTER HYDROLASE DEFICIENCY, COMPLETE. Identifiers: Orphanet 75233, MedGen C0043208, MONDO:0019148, OMIM 620151.

gnomAD v4.1: 3 of 1,603,716 alleles (0.00019%); highest among the groups gnomAD compares: Non-Finnish European, 0.00026%; no homozygotes.

Submission:

Labcorp Genetics (formerly Invitae), Labcorp
Classification: Uncertain significance for Wolman disease. Last evaluated: 2021-02-25. Review status: criteria provided, single submitter. Criteria: Invitae Variant Classification Sherloc (09022015). Collection method: clinical testing. Allele origin: germline.
Comment: Algorithms developed to predict the effect of missense changes on protein structure and function are either unavailable or do not agree on the potential impact of this missense change (SIFT: "Tolerated"; PolyPhen-2: "Possibly Damaging"; Align-GVGD: "Class C0"). This sequence change replaces methionine with arginine at codon 3 of the LIPA protein (p.Met3Arg). The methionine residue is weakly conserved and there is a moderate physicochemical difference between methionine and arginine. In summary, the available evidence is currently insufficient to determine the role of this variant in disease. Therefore, it has been classified as a Variant of Uncertain Significance. This variant has not been reported in the literature in individuals with LIPA-related disease. This variant is not present in population databases (ExAC no frequency).